The following is an entry in ClinVar:

ClinVar aggregate classification (germline): Uncertain significance (1 of 4 stars; one submission).

Allele frequency attached by ClinVar (database versions not stated): TOPMed 0.00002; ExAC 0.00003; gnomAD 0.00003; gnomAD exomes 0.00004.
gnomAD v4.1: 59 of 1,610,608 alleles (0.0037%); highest among the groups gnomAD compares: Non-Finnish European, 0.003%; no homozygotes.

Submission:

Ambry Genetics
Classification: Uncertain significance. Last evaluated: 2023-11-03. Review status: criteria provided, single submitter. Criteria: Ambry Variant Classification Scheme 2023. Collection method: clinical testing. Allele origin: germline.
Comment: The p.R265H variant (also known as c.794G>A), located in coding exon 1 of the EGLN2 gene, results from a G to A substitution at nucleotide position 794. The arginine at codon 265 is replaced by histidine, an amino acid with highly similar properties. This amino acid position is conserved. In addition, this alteration is predicted to be tolerated by in silico analysis. Since supporting evidence is limited at this time, the clinical significance of this alteration remains unclear.

NM_080732.4(EGLN2):c.794G>A (p.Arg265His)

Genes: EGLN2 (egl-9 family hypoxia inducible factor 2; plus strand), RAB4B-EGLN2 (RAB4B-EGLN2 readthrough (NMD candidate); plus strand). Cytogenetic location: 19q13.2.
Variant type: single nucleotide variant.
Coding change: c.794G>A on transcript NM_080732.4 (MANE Select); coding-DNA position 794, G replaced by A.
Protein change: p.Arg265His; replaces arginine 265 with histidine.
Molecular consequence: missense variant. On other transcripts: non-coding transcript variant (1).
Genome position (GRCh38, 1-based): chr19:40,801,366, G>A. VCF-style: chr19-40801366-G-A. GRCh37 (hg19) VCF-style: chr19-41307271-G-A.
Other names: c.794G>A, p.Arg265His (NM_053046.4); short protein forms R265H.
Identifiers: ClinVar variation 1761356 (VCV001761356.2), dbSNP rs765668251, ClinGen allele CA9452307.